The following is an entry in ClinVar:

NM_005445.4(SMC3):c.2589A>G (p.Thr863=)

Gene: SMC3 (structural maintenance of chromosomes 3; plus strand). Cytogenetic location: 10q25.2.
Variant type: single nucleotide variant.
Coding change: c.2589A>G on transcript NM_005445.4 (MANE Select); coding-DNA position 2589, A replaced by G.
Protein change: p.Thr863=; no amino-acid change (threonine 863 retained).
Molecular consequence: synonymous variant.
Genome position (GRCh38, 1-based): chr10:110,601,075, A>G. VCF-style: chr10-110601075-A-G. GRCh37 (hg19) VCF-style: chr10-112360833-A-G.
Identifiers: ClinVar variation 878457 (VCV000878457.30), dbSNP rs768482776, ClinGen allele CA5688244.

ClinVar aggregate classification (germline): Conflicting classifications of pathogenicity. Review status: criteria provided, conflicting classifications (1 of 4 stars). 3 submissions from 3 submitters: Uncertain significance (1); Likely benign (2). Last evaluated 2022-11-01.

Conditions:
Inborn genetic diseases. Identifiers: MedGen C0950123, MeSH D030342.
Cornelia de Lange syndrome 3 (CDLS3). Also called: SMC3-Related Cornelia de Lange Syndrome; CORNELIA DE LANGE SYNDROME 3 WITH OR WITHOUT MIDLINE BRAIN DEFECTS. Identifiers: Orphanet 199, MedGen C1853099, MONDO:0012555, OMIM 610759.

Allele frequency attached by ClinVar (database versions not stated): ExAC 0.00001; TOPMed 0.00002; gnomAD 0.00003; gnomAD exomes 0.00003.
gnomAD v4.1: 40 of 1,613,648 alleles (0.0025%); highest among the groups gnomAD compares: Non-Finnish European, 0.0034%; no homozygotes.

Submissions (3):

CeGaT Center for Human Genetics Tuebingen
Classification: Likely benign. Last evaluated: 2022-11-01. Review status: criteria provided, single submitter. Criteria: CeGaT Center For Human Genetics Tuebingen Variant Classification Criteria Version 2. Collection method: clinical testing. Allele origin: germline. Affected: yes. Observed: 1 variant allele.
Comment: SMC3: BP4, BP7

Ambry Genetics
Classification: Likely benign for Inborn genetic diseases. Last evaluated: 2020-05-19. Review status: criteria provided, single submitter. Criteria: Ambry Variant Classification Scheme 2023. Collection method: clinical testing. Allele origin: germline.

Illumina Laboratory Services, Illumina
Classification: Uncertain significance for Cornelia de Lange syndrome 3. Last evaluated: 2018-01-12. Review status: criteria provided, single submitter. Criteria: ICSL Variant Classification Criteria 13 December 2019. Collection method: clinical testing. Allele origin: germline.